The following is an entry in ClinVar:

ClinVar aggregate classification (germline): Uncertain significance. Review status: criteria provided, multiple submitters, no conflicts (2 of 4 stars). 6 submissions from 5 submitters: Uncertain significance (6). Last evaluated 2024-11-19.

Conditions:
Inborn genetic diseases. Identifiers: MedGen C0950123, MeSH D030342.
Retinitis pigmentosa 39 (RP39). Identifiers: Orphanet 791, MedGen C3151138, MONDO:0013436, OMIM 613809.
Usher syndrome type 2A. Also called: RETINAL DISEASE IN USHER SYNDROME TYPE IIA, MODIFIER OF; USHER SYNDROME, TYPE IIA. Identifiers: Orphanet 231178, Orphanet 886, MedGen C1848634, MONDO:0010169, OMIM 276901.

Allele frequency attached by ClinVar (database versions not stated): gnomAD 0.00002 and 0.00003; ExAC 0.00004; gnomAD exomes 0.00004; TOPMed 0.00004; ESP Exome Variant Server 0.00008; 1000 Genomes Project 30x 0.00016; 1000 Genomes Project 0.00020.
gnomAD v4.1: 39 of 1,614,050 alleles (0.0024%); highest among the groups gnomAD compares: Non-Finnish European, 0.0031%; no homozygotes.

Submissions (6):

Blueprint Genetics
Classification: Uncertain significance. Last evaluated: 2024-11-19. Review status: criteria provided, single submitter. Criteria: ACMG Guidelines, 2015. Collection method: clinical testing. Allele origin: germline.

GeneDx
Classification: Uncertain significance. Last evaluated: 2024-09-27. Review status: criteria provided, single submitter. Criteria: GeneDx Variant Classification Process June 2021. Collection method: clinical testing. Allele origin: germline. Affected: yes.
Comment: In silico analysis supports that this missense variant has a deleterious effect on protein structure/function; Has not been previously published as pathogenic or benign to our knowledge

Genome-Nilou Lab
Classification: Uncertain significance for Retinitis pigmentosa 39. Last evaluated: 2023-11-04. Review status: criteria provided, single submitter. Criteria: ACMG Guidelines, 2015. Collection method: clinical testing. Allele origin: germline. Affected: no.

Genome-Nilou Lab
Classification: Uncertain significance for Usher syndrome type 2A. Last evaluated: 2023-11-04. Review status: criteria provided, single submitter. Criteria: ACMG Guidelines, 2015. Collection method: clinical testing. Allele origin: germline. Affected: no.

Ambry Genetics
Classification: Uncertain significance for Inborn genetic diseases. Last evaluated: 2023-04-25. Review status: criteria provided, single submitter. Criteria: Ambry Variant Classification Scheme 2023. Collection method: clinical testing. Allele origin: germline.

Eurofins Ntd Llc (ga)
Classification: Uncertain significance. Last evaluated: 2016-09-20. Review status: criteria provided, single submitter. Criteria: EGL Classification Definitions 2015. Collection method: clinical testing. Allele origin: germline. Observed: 1 variant allele, 1 heterozygote.

NM_206933.4(USH2A):c.12128T>G (p.Val4043Gly)

Gene: USH2A (usherin; minus strand). Cytogenetic location: 1q41.
Variant type: single nucleotide variant.
Coding change: c.12128T>G on transcript NM_206933.4 (MANE Select); coding-DNA position 12128, T replaced by G.
Protein change: p.Val4043Gly; replaces valine 4043 with glycine.
Molecular consequence: missense variant.
Genome position (GRCh38, 1-based): chr1:215,680,315, A>C on the plus strand (T>G on the coding strand, the complement: USH2A is on the minus strand). VCF-style: chr1-215680315-A-C. GRCh37 (hg19) VCF-style: chr1-215853657-A-C.
Other names: c.12128T>G (NM_206933.2); short protein forms V4043G.
Identifiers: ClinVar variation 290980 (VCV000290980.11), dbSNP rs376528829, ClinGen allele CA1393532.